The following is an entry in ClinVar:

ClinVar aggregate classification (germline): Uncertain significance (1 of 4 stars; one submission).

Allele frequency attached by ClinVar (database versions not stated): gnomAD exomes 0.00001; ExAC 0.00003; ESP Exome Variant Server 0.00015.
gnomAD v4.1: 17 of 1,613,130 alleles (0.0011%); highest among the groups gnomAD compares: South Asian, 0.0055%; no homozygotes.

Submission:

Labcorp Genetics (formerly Invitae), Labcorp
Classification: Uncertain significance. Last evaluated: 2021-12-16. Review status: criteria provided, single submitter. Criteria: Invitae Variant Classification Sherloc (09022015). Collection method: clinical testing. Allele origin: germline.
Comment: Algorithms developed to predict the effect of missense changes on protein structure and function (SIFT, PolyPhen-2, Align-GVGD) all suggest that this variant is likely to be disruptive. This variant has not been reported in the literature in individuals affected with DHX38-related conditions. This variant is present in population databases (rs151006640, gnomAD 0.005%). This sequence change replaces alanine, which is neutral and non-polar, with threonine, which is neutral and polar, at codon 1135 of the DHX38 protein (p.Ala1135Thr). In summary, the available evidence is currently insufficient to determine the role of this variant in disease. Therefore, it has been classified as a Variant of Uncertain Significance.

NM_014003.4(DHX38):c.3403G>A (p.Ala1135Thr)

Gene: DHX38 (DEAH-box helicase 38; plus strand). Cytogenetic location: 16q22.2.
Variant type: single nucleotide variant.
Coding change: c.3403G>A on transcript NM_014003.4 (MANE Select); coding-DNA position 3403, G replaced by A.
Protein change: p.Ala1135Thr; replaces alanine 1135 with threonine.
Molecular consequence: missense variant.
Genome position (GRCh38, 1-based): chr16:72,109,436, G>A. VCF-style: chr16-72109436-G-A. GRCh37 (hg19) VCF-style: chr16-72143335-G-A.
Other names: short protein forms A1135T.
Identifiers: ClinVar variation 1915087 (VCV001915087.5), dbSNP rs151006640, ClinGen allele CA8160967.